The following is an entry in ClinVar:

ClinVar aggregate classification (germline): Uncertain significance. Review status: criteria provided, multiple submitters, no conflicts (2 of 4 stars). 2 submissions from 2 submitters: Uncertain significance (2). Last evaluated 2025-06-19.

Conditions:
Inborn genetic diseases. Identifiers: MedGen C0950123, MeSH D030342.

Allele frequency attached by ClinVar (database versions not stated): gnomAD exomes 0.00001; TOPMed 0.00001.
gnomAD v4.1: 6 of 1,614,080 alleles (0.00037%); highest among the groups gnomAD compares: Admixed American, 0.01%; no homozygotes.

Submissions (2):

Ambry Genetics
Classification: Uncertain significance for Inborn genetic diseases. Last evaluated: 2025-06-19. Review status: criteria provided, single submitter. Criteria: Ambry Variant Classification Scheme 2023. Collection method: clinical testing. Allele origin: germline.

Labcorp Genetics (formerly Invitae), Labcorp
Classification: Uncertain significance. Last evaluated: 2022-09-01. Review status: criteria provided, single submitter. Criteria: Invitae Variant Classification Sherloc (09022015). Collection method: clinical testing. Allele origin: germline.
Comment: This sequence change replaces glutamic acid, which is acidic and polar, with lysine, which is basic and polar, at codon 224 of the CEP135 protein (p.Glu224Lys). This variant is present in population databases (no rsID available, gnomAD 0.009%). This variant has not been reported in the literature in individuals affected with CEP135-related conditions. Algorithms developed to predict the effect of missense changes on protein structure and function (SIFT, PolyPhen-2, Align-GVGD) all suggest that this variant is likely to be tolerated. In summary, the available evidence is currently insufficient to determine the role of this variant in disease. Therefore, it has been classified as a Variant of Uncertain Significance.

NM_025009.5(CEP135):c.670G>A (p.Glu224Lys)

Gene: CEP135 (centrosomal protein 135; plus strand). Cytogenetic location: 4q12.
Variant type: single nucleotide variant.
Coding change: c.670G>A on transcript NM_025009.5 (MANE Select); coding-DNA position 670, G replaced by A.
Protein change: p.Glu224Lys; replaces glutamic acid 224 with lysine.
Molecular consequence: missense variant.
Genome position (GRCh38, 1-based): chr4:55,959,737, G>A. VCF-style: chr4-55959737-G-A. GRCh37 (hg19) VCF-style: chr4-56825903-G-A.
Other names: c.670G>A (NM_025009.3); short protein forms E224K.
Identifiers: ClinVar variation 1903212 (VCV001903212.3), dbSNP rs1333051522, ClinGen allele CA356972025.